The following is an entry in ClinVar:

NM_020884.7(MYH7B):c.1600C>G (p.Leu534Val)

Gene: MYH7B (myosin heavy chain 7B; plus strand). Cytogenetic location: 20q11.22.
Variant type: single nucleotide variant.
Coding change: c.1600C>G on transcript NM_020884.7 (MANE Select); coding-DNA position 1600, C replaced by G.
Protein change: p.Leu534Val; replaces leucine 534 with valine.
Molecular consequence: missense variant.
Genome position (GRCh38, 1-based): chr20:34,989,752, C>G. VCF-style: chr20-34989752-C-G. GRCh37 (hg19) VCF-style: chr20-33577555-C-G.
Other names: short protein forms L534V.
Identifiers: ClinVar variation 3701982 (VCV003701982.2).

ClinVar aggregate classification (germline): Uncertain significance (1 of 4 stars; one submission).

gnomAD v4.1: 1 of 1,613,974 alleles (0.000062%); highest among the groups gnomAD compares: Admixed American, 0.0017%; no homozygotes.

Submission:

Labcorp Genetics (formerly Invitae), Labcorp
Classification: Uncertain significance. Last evaluated: 2024-07-31. Review status: criteria provided, single submitter. Criteria: Invitae Variant Classification Sherloc (09022015). Collection method: clinical testing. Allele origin: germline.
Comment: This sequence change replaces leucine, which is neutral and non-polar, with valine, which is neutral and non-polar, at codon 576 of the MYH7B protein (p.Leu576Val). This variant is not present in population databases (gnomAD no frequency). This variant has not been reported in the literature in individuals affected with MYH7B-related conditions. Advanced modeling of protein sequence and biophysical properties (such as structural, functional, and spatial information, amino acid conservation, physicochemical variation, residue mobility, and thermodynamic stability) performed at Invitae indicates that this missense variant is not expected to disrupt MYH7B protein function with a negative predictive value of 80%. In summary, the available evidence is currently insufficient to determine the role of this variant in disease. Therefore, it has been classified as a Variant of Uncertain Significance.